The following is an entry in ClinVar:

NM_002024.6(FMR1):c.1145T>A (p.Val382Asp)

Gene: FMR1 (fragile X messenger ribonucleoprotein 1; plus strand). Cytogenetic location: Xq27.3.
Variant type: single nucleotide variant.
Coding change: c.1145T>A on transcript NM_002024.6 (MANE Select); coding-DNA position 1145, T replaced by A.
Protein change: p.Val382Asp; replaces valine 382 with aspartic acid.
Molecular consequence: missense variant. On other transcripts: non-coding transcript variant (1), intron variant (3).
Genome position (GRCh38, 1-based): chrX:147,938,118, T>A. VCF-style: chrX-147938118-T-A. GRCh37 (hg19) VCF-style: chrX-147019637-T-A.
Other names: c.1145T>A, p.Val382Asp (NM_001185075.2); c.1125+518T>A (NM_001185076.2, NM_001185082.2, NM_001185081.2); short protein forms V382D.
Identifiers: ClinVar variation 4076687 (VCV004076687.1).
Genomic context (GRCh38, chrX:147,938,118, plus strand): 5'-TATAGTTAATGACATCCCTTGCATTCCTTATACTGCTTTAGGTGTTAGTGGCTTCATCAG[T>A]TGTAGCAGGGGAATCCCAGAAACCTGAACTCAAGGCTTGGCAGGTAGGAAAACATTCCTT-3'
Protein context (NP_002015.1, residues 372-392): KVQRVLVASS[Val382Asp]VAGESQKPEL

ClinVar aggregate classification (germline): Uncertain significance (1 of 4 stars; one submission).

Submission:

GeneDx
Classification: Uncertain significance. Last evaluated: 2025-02-19. Review status: criteria provided, single submitter. Criteria: GeneDx Variant Classification Process June 2021. Collection method: clinical testing. Allele origin: germline. Affected: yes.
Comment: Not observed at significant frequency in large population cohorts (gnomAD); In silico analysis indicates that this missense variant does not alter protein structure/function; Has not been previously published as pathogenic or benign to our knowledge